The following is an entry in ClinVar:

ClinVar aggregate classification (germline): Uncertain significance (1 of 4 stars; one submission).

Allele frequency attached by ClinVar (database versions not stated): gnomAD exomes below 0.00001; TOPMed below 0.00001; gnomAD 0.00001.

Submission:

Labcorp Genetics (formerly Invitae), Labcorp
Classification: Uncertain significance. Last evaluated: 2023-05-11. Review status: criteria provided, single submitter. Criteria: Invitae Variant Classification Sherloc (09022015). Collection method: clinical testing. Allele origin: germline.
Comment: This variant is not present in population databases (gnomAD no frequency). In summary, the available evidence is currently insufficient to determine the role of this variant in disease. Therefore, it has been classified as a Variant of Uncertain Significance. This variant has not been reported in the literature in individuals affected with OPN1SW-related conditions. This sequence change creates a premature translational stop signal (p.Gln37*) in the OPN1SW gene. It is expected to result in an absent or disrupted protein product. However, the current clinical and genetic evidence is not sufficient to establish whether loss-of-function variants in OPN1SW cause disease.

NM_001385125.1(OPN1SW):c.100C>T (p.Gln34Ter)

Gene: OPN1SW (opsin 1, short wave sensitive; minus strand). Cytogenetic location: 7q32.1.
Variant type: single nucleotide variant.
Coding change: c.100C>T on transcript NM_001385125.1 (MANE Select); coding-DNA position 100, C replaced by T.
Protein change: p.Gln34Ter; replaces glutamine 34 with a stop codon.
Molecular consequence: nonsense.
Genome position (GRCh38, 1-based): chr7:128,775,682, G>A on the plus strand (C>T on the coding strand, the complement: OPN1SW is on the minus strand). VCF-style: chr7-128775682-G-A. GRCh37 (hg19) VCF-style: chr7-128415736-G-A.
Other names: short protein forms Q34*.
Identifiers: ClinVar variation 2868141 (VCV002868141.3), dbSNP rs1207794821, ClinGen allele CA369222734.